The following is an entry in ClinVar:

ClinVar aggregate classification (germline): Likely benign. Review status: criteria provided, multiple submitters, no conflicts (2 of 4 stars). 3 submissions from 3 submitters: Likely benign (2). 1 of the submissions does not count toward it. Last evaluated 2024-11-30.

Conditions:
Cardiovascular phenotype. Identifiers: MedGen CN230736.
ABCG8-related disorder. Also called: ABCG8-related condition.

Allele frequency attached by ClinVar (database versions not stated): ExAC 0.00002; TOPMed 0.00002; gnomAD 0.00004.

Submissions (3):

Ambry Genetics
Classification: Likely benign for Cardiovascular phenotype. Last evaluated: 2024-11-30. Review status: criteria provided, single submitter. Criteria: Ambry Variant Classification Scheme 2023. Collection method: clinical testing. Allele origin: germline.

Labcorp Genetics (formerly Invitae), Labcorp
Classification: Likely benign. Last evaluated: 2022-08-06. Review status: criteria provided, single submitter. Criteria: Invitae Variant Classification Sherloc (09022015). Collection method: clinical testing. Allele origin: germline.

PreventionGenetics, part of Exact Sciences
Classification: Likely benign for ABCG8-related condition. Last evaluated: 2024-01-11. Review status: no assertion criteria provided. Collection method: clinical testing. Allele origin: germline. Not counted in ClinVar's aggregate classification.
Comment: This variant is classified as likely benign based on ACMG/AMP sequence variant interpretation guidelines (Richards et al. 2015 PMID: 25741868, with internal and published modifications).

NM_022437.3(ABCG8):c.984C>T (p.Asp328=)

Gene: ABCG8 (ATP binding cassette subfamily G member 8; plus strand). Cytogenetic location: 2p21.
Variant type: single nucleotide variant.
Coding change: c.984C>T on transcript NM_022437.3 (MANE Select); coding-DNA position 984, C replaced by T.
Protein change: p.Asp328=; no amino-acid change (aspartic acid 328 retained).
Molecular consequence: synonymous variant.
Genome position (GRCh38, 1-based): chr2:43,871,995, C>T. VCF-style: chr2-43871995-C-T. GRCh37 (hg19) VCF-style: chr2-44099134-C-T.
Other names: c.984C>T, p.Asp328= (NM_001357321.2); c.984C>T (NM_022437.2).
Identifiers: ClinVar variation 2201186 (VCV002201186.7), dbSNP rs765369343, ClinGen allele CA1637243.